The following is an entry in ClinVar:

ClinVar aggregate classification (germline): Uncertain significance (1 of 4 stars; one submission).

Submission:

GeneDx
Classification: Uncertain significance. Last evaluated: 2022-11-28. Review status: criteria provided, single submitter. Criteria: GeneDx Variant Classification Process June 2021. Collection method: clinical testing. Allele origin: germline. Affected: yes.
Comment: Not observed at significant frequency in large population cohorts (gnomAD); In silico analysis supports that this missense variant has a deleterious effect on protein structure/function; Has not been previously published as pathogenic or benign to our knowledge

NM_017934.7(PHIP):c.3614A>T (p.Asp1205Val)

Genes: IRAK1BP1 (interleukin 1 receptor associated kinase 1 binding protein 1; plus strand), PHIP (PHIP subunit of CUL4-Ring ligase complex; minus strand). Cytogenetic location: 6q14.1.
Variant type: single nucleotide variant.
Coding change: c.3614A>T on transcript NM_017934.7 (MANE Select); coding-DNA position 3614, A replaced by T.
Protein change: p.Asp1205Val; replaces aspartic acid 1205 with valine.
Molecular consequence: missense variant.
Genome position (GRCh38, 1-based): chr6:78,961,732, T>A on the plus strand (A>T on the coding strand, the complement: PHIP is on the minus strand). VCF-style: chr6-78961732-T-A. GRCh37 (hg19) VCF-style: chr6-79671449-T-A.
Other names: short protein forms D1205V.
Identifiers: ClinVar variation 2503189 (VCV002503189.1), dbSNP rs775968623, ClinGen allele CA364645632.